The following is an entry in ClinVar:

NM_007294.4(BRCA1):c.68dup (p.Cys24fs)

Gene: BRCA1 (BRCA1 DNA repair associated; minus strand). Cytogenetic location: 17q21.31.
Variant type: Duplication.
Coding change: c.68dup on transcript NM_007294.4 (MANE Select); coding-DNA position 68, one base duplicated (A; older notation c.68dupA).
Protein change: p.Cys24fs; shifts the reading frame from cysteine 24.
Molecular consequence: frameshift variant. On other transcripts: 5 prime UTR variant (1), non-coding transcript variant (1).
Genome position (GRCh38, 1-based): chr17:43,124,029, T duplicated on the plus strand (A on the coding strand, the reverse complement: BRCA1 is on the minus strand). VCF-style (leftmost placement, unchanged base first): chr17-43124028-C-CT. GRCh37 (hg19) VCF-style: chr17-41276045-C-CT.
Other names: 186_187insA; c.68dupA (NM_007294.3); c.68dup, p.Cys24Valfs (NM_001408427.1, NM_001408428.1, NM_001408429.1 and 191 more transcripts); c.-193dup (NM_001408452.1, NM_001408462.1, NM_001408463.1 and 22 more transcripts); c.-20dup (NM_001408454.1, NM_001408459.1, NM_001408460.1 and 23 more transcripts); c.-190dup (NM_001408455.1, NM_001408456.1, NM_001408468.1 and 11 more transcripts); c.-194dup (NM_001408465.1, NM_001407695.1); c.-121dup (NM_001408478.1, NM_001408479.1, NM_001408480.1 and 46 more transcripts); and 11 more; short protein forms C24fs.
Identifiers: ClinVar variation 55668 (VCV000055668.7), dbSNP rs397509309, ClinGen allele CA328041.

ClinVar aggregate classification (germline): Pathogenic. Review status: reviewed by expert panel (3 of 4 stars). 2 submissions from 2 submitters: Pathogenic (1). 1 of the submissions does not count toward it. Last evaluated 2016-10-18.

Conditions:
Breast-ovarian cancer, familial, susceptibility to, 1 (BROVCA1). Also called: BRCA1 Hereditary Breast and Ovarian Cancer; OVARIAN CANCER, SUSCEPTIBILITY TO. Identifiers: Orphanet 145, MedGen C2676676, MONDO:0011450, OMIM 604370. Disease mechanism: loss of function.

Submissions (2):

Evidence-based Network for the Interpretation of Germline Mutant Alleles (ENIGMA)
Classification: Pathogenic for Breast-ovarian cancer, familial, susceptibility to, 1. Last evaluated: 2016-10-18. Review status: reviewed by expert panel. Criteria: ENIGMA BRCA1/2 Classification Criteria (2015). Collection method: curation. Allele origin: germline.
Comment: Variant allele predicted to encode a truncated non-functional protein.

Consortium of Investigators of Modifiers of BRCA1/2 (CIMBA), c/o University of Cambridge
Classification: Pathogenic for Breast-ovarian cancer, familial, susceptibility to, 1. Last evaluated: 2015-10-02. Review status: criteria provided, single submitter. Criteria: CIMBA Mutation Classification guidelines May 2016. Collection method: clinical testing. Allele origin: germline. Not counted in ClinVar's aggregate classification.